The following is an entry in ClinVar:

ClinVar aggregate classification (germline): Benign. Review status: criteria provided, multiple submitters, no conflicts (2 of 4 stars). 3 submissions from 3 submitters: Benign (3). Last evaluated 2018-11-12.

Submissions (3):

Athena Diagnostics
Classification: Benign. Last evaluated: 2018-11-12. Review status: criteria provided, single submitter. Criteria: Athena Diagnostics Criteria. Collection method: clinical testing. Allele origin: germline.

GeneDx
Classification: Benign. Last evaluated: 2016-10-27. Review status: criteria provided, single submitter. Criteria: GeneDx Variant Classification Process June 2021. Collection method: clinical testing. Allele origin: germline. Affected: yes.

Laboratory for Molecular Medicine, Mass General Brigham Personalized Medicine
Classification: Benign. Last evaluated: 2015-08-11. Review status: criteria provided, single submitter. Criteria: LMM Criteria. Collection method: clinical testing. Allele origin: germline. Observed: 16 variant alleles.
Comment: p.Thr1519dup in exon 36C of PCDH15: This variant is not expected to have clinica l significance because it has been identified in 7.3% (707/9652) of African chro mosomes by the Exome Aggregation Consortium (ExAC, g; dbSNP rs143978284). This variant is an insertion of 1 amino acid at position 1519 and is not predicted to alter the protein reading-frame.

NM_001384140.1(PCDH15):c.4728_4730dup (p.Thr1577dup)

Gene: PCDH15 (protocadherin related 15; minus strand). Cytogenetic location: 10q21.1.
Variant type: Duplication.
Coding change: c.4728_4730dup on transcript NM_001384140.1 (MANE Select); coding-DNA positions 4728 to 4730, 3 bases duplicated (AAC; older notation c.4728_4730dupAAC).
Protein change: p.Thr1577dup; duplicates threonine 1577.
Molecular consequence: inframe insertion.
Genome position (GRCh38, 1-based): chr10:53,807,072-53,807,074, GTT duplicated on the plus strand (AAC on the coding strand, the reverse complement: PCDH15 is on the minus strand); duplicating any 3 consecutive bases within chr10:53,807,072-53,807,075 gives the same sequence; the c. name uses the placement nearest the transcript's 3' end. VCF-style (leftmost placement, unchanged base first): chr10-53807071-A-AGTT. GRCh37 (hg19) VCF-style: chr10-55566831-A-AGTT.
Other names: p.Thr1519_Gly1520insThr; c.4554_4556dup, p.Thr1519dup (NM_001142771.2); c.4539_4541dup, p.Thr1514dup (NM_001142772.2); c.4533_4535dup, p.Thr1512dup (NM_001354420.2); c.4662_4664dup, p.Thr1555dup (NM_001354429.2); c.4554_4556dup (NM_001142771.1).
Identifiers: ClinVar variation 227002 (VCV000227002.8), dbSNP rs143978284, ClinGen allele CA5504616.